The following is an entry in ClinVar:

ClinVar aggregate classification (germline): Pathogenic (1 of 4 stars; one submission).

Submission:

GeneDx
Classification: Pathogenic. Last evaluated: 2024-10-15. Review status: criteria provided, single submitter. Criteria: GeneDx Variant Classification Process June 2021. Collection method: clinical testing. Allele origin: germline. Affected: yes.
Comment: Not observed at significant frequency in large population cohorts (gnomAD); In silico analysis supports that this missense variant has a deleterious effect on protein structure/function; Has not been previously published as pathogenic or benign to our knowledge

NM_015981.4(CAMK2A):c.901G>A (p.Gly301Arg)

Gene: CAMK2A (calcium/calmodulin dependent protein kinase II alpha; minus strand). Cytogenetic location: 5q32.
Variant type: single nucleotide variant.
Coding change: c.901G>A on transcript NM_015981.4 (MANE Select); coding-DNA position 901, G replaced by A.
Protein change: p.Gly301Arg; replaces glycine 301 with arginine.
Molecular consequence: missense variant.
Genome position (GRCh38, 1-based): chr5:150,247,814, C>T on the plus strand (G>A on the coding strand, the complement: CAMK2A is on the minus strand). VCF-style: chr5-150247814-C-T. GRCh37 (hg19) VCF-style: chr5-149627377-C-T.
Other names: c.901G>A, p.Gly301Arg (NM_001363989.1, NM_001363990.1, NM_001369025.2 and 1 more transcripts); short protein forms G301R.
Identifiers: ClinVar variation 1722922 (VCV001722922.3), dbSNP rs2532303553, ClinGen allele CA361748349.